The following is an entry in ClinVar:

NM_001195263.2(PDZD7):c.2459C>G (p.Pro820Arg)

Gene: PDZD7 (PDZ domain containing 7; minus strand). Cytogenetic location: 10q24.31.
Variant type: single nucleotide variant.
Coding change: c.2459C>G on transcript NM_001195263.2 (MANE Select); coding-DNA position 2459, C replaced by G.
Protein change: p.Pro820Arg; replaces proline 820 with arginine.
Molecular consequence: missense variant.
Genome position (GRCh38, 1-based): chr10:101,010,430, G>C on the plus strand (C>G on the coding strand, the complement: PDZD7 is on the minus strand). VCF-style: chr10-101010430-G-C. GRCh37 (hg19) VCF-style: chr10-102770187-G-C.
Other names: short protein forms P820R.
Identifiers: ClinVar variation 2160819 (VCV002160819.4), dbSNP rs1365350808, ClinGen allele CA378224122.

ClinVar aggregate classification (germline): Uncertain significance (1 of 4 stars; one submission).

gnomAD v4.1: 2 of 1,536,110 alleles (0.00013%); highest among the groups gnomAD compares: Admixed American, 0.0039%; no homozygotes.

Submission:

Labcorp Genetics (formerly Invitae), Labcorp
Classification: Uncertain significance. Last evaluated: 2022-02-02. Review status: criteria provided, single submitter. Criteria: Invitae Variant Classification Sherloc (09022015). Collection method: clinical testing. Allele origin: germline.
Comment: This sequence change replaces proline, which is neutral and non-polar, with arginine, which is basic and polar, at codon 820 of the PDZD7 protein (p.Pro820Arg). In summary, the available evidence is currently insufficient to determine the role of this variant in disease. Therefore, it has been classified as a Variant of Uncertain Significance. Algorithms developed to predict the effect of missense changes on protein structure and function are either unavailable or do not agree on the potential impact of this missense change (SIFT: "Deleterious"; PolyPhen-2: "Not Available"; Align-GVGD: "Class C0"). This variant has not been reported in the literature in individuals affected with PDZD7-related conditions. This variant is not present in population databases (gnomAD no frequency).